The following is an entry in ClinVar:

NM_001395414.1(MUC22):c.1869T>A (p.Ser623=)

Gene: MUC22 (mucin 22; plus strand). Cytogenetic location: 6p21.33.
Variant type: single nucleotide variant.
Coding change: c.1869T>A on transcript NM_001395414.1 (MANE Select); coding-DNA position 1869, T replaced by A.
Protein change: p.Ser623=; no amino-acid change (serine 623 retained).
Molecular consequence: synonymous variant.
Genome position (GRCh38, 1-based): chr6:31,027,300, T>A. VCF-style: chr6-31027300-T-A. GRCh37 (hg19) VCF-style: chr6-30995077-T-A.
Other names: c.1869T>A, p.Ser623= (NM_001198815.1); c.1878T>A, p.Ser626= (NM_001318484.1, NM_001322469.1).
Identifiers: ClinVar variation 3025210 (VCV003025210.22), dbSNP rs1310607082, ClinGen allele CA449784100.

ClinVar aggregate classification (germline): Likely benign (1 of 4 stars; one submission).

Submission:

CeGaT Center for Human Genetics Tuebingen
Classification: Likely benign. Last evaluated: 2024-01-01. Review status: criteria provided, single submitter. Criteria: CeGaT Center For Human Genetics Tuebingen Variant Classification Criteria Version 2. Collection method: clinical testing. Allele origin: germline. Affected: yes. Observed: 1 variant allele.
Comment: MUC22: PM2:Supporting, BP4, BP7